The following is an entry in ClinVar:

ClinVar aggregate classification (germline): Uncertain significance (0 of 4 stars; one submission).

Conditions:
SEMA3D-related disorder. Also called: SEMA3D-related condition.

Allele frequency attached by ClinVar (database versions not stated): gnomAD 0.00011; TOPMed 0.00011; ESP Exome Variant Server 0.00015; gnomAD exomes 0.00020.

Submission:

PreventionGenetics, part of Exact Sciences
Classification: Uncertain significance for SEMA3D-related condition. Last evaluated: 2023-12-27. Review status: no assertion criteria provided. Collection method: clinical testing. Allele origin: germline.
Comment: The SEMA3D c.1715G>A variant is predicted to result in the amino acid substitution p.Arg572His. To our knowledge, this variant has not been reported in the literature. This variant is reported in 0.049% of alleles in individuals of South Asian descent in gnomAD. At this time, the clinical significance of this variant is uncertain due to the absence of conclusive functional and genetic evidence.

NM_001384900.1(SEMA3D):c.1715G>A (p.Arg572His)

Gene: SEMA3D (semaphorin 3D; minus strand). Cytogenetic location: 7q21.11.
Variant type: single nucleotide variant.
Coding change: c.1715G>A on transcript NM_001384900.1 (MANE Select); coding-DNA position 1715, G replaced by A.
Protein change: p.Arg572His; replaces arginine 572 with histidine.
Molecular consequence: missense variant.
Genome position (GRCh38, 1-based): chr7:85,012,835, C>T on the plus strand (G>A on the coding strand, the complement: SEMA3D is on the minus strand). VCF-style: chr7-85012835-C-T. GRCh37 (hg19) VCF-style: chr7-84642151-C-T.
Other names: c.1715G>A, p.Arg572His (NM_001384901.1, NM_001384902.1, NM_001384903.1 and 1 more transcripts); short protein forms R572H.
Identifiers: ClinVar variation 2634329 (VCV002634329.3), dbSNP rs150646719, ClinGen allele CA4323312.